The following is an entry in ClinVar:

NM_004035.7(ACOX1):c.1384C>G (p.Arg462Gly)

Gene: ACOX1 (acyl-CoA oxidase 1; minus strand). Cytogenetic location: 17q25.1.
Variant type: single nucleotide variant.
Coding change: c.1384C>G on transcript NM_004035.7 (MANE Select); coding-DNA position 1384, C replaced by G.
Protein change: p.Arg462Gly; replaces arginine 462 with glycine.
Molecular consequence: missense variant.
Genome position (GRCh38, 1-based): chr17:75,949,812, G>C on the plus strand (C>G on the coding strand, the complement: ACOX1 is on the minus strand). VCF-style: chr17-75949812-G-C. GRCh37 (hg19) VCF-style: chr17-73945893-G-C.
Other names: c.1270C>G, p.Arg424Gly (NM_001185039.2); c.1384C>G, p.Arg462Gly (NM_007292.6); short protein forms R462G, R424G.
Identifiers: ClinVar variation 4565811 (VCV004565811.1).

ClinVar aggregate classification (germline): Uncertain significance (1 of 4 stars; one submission).

Conditions:
Inborn genetic diseases. Identifiers: MedGen C0950123, MeSH D030342.

gnomAD v4.1: 1 of 1,614,020 alleles (0.000062%); highest among the groups gnomAD compares: Non-Finnish European, 0.000085%; no homozygotes.

Submission:

Ambry Genetics
Classification: Uncertain significance for Inborn genetic diseases. Last evaluated: 2025-09-25. Review status: criteria provided, single submitter. Criteria: Ambry Variant Classification Scheme 2023. Collection method: clinical testing. Allele origin: germline.
Comment: The c.1384C>G (p.R462G) alteration is located in exon 10 (coding exon 10) of the ACOX1 gene. This alteration results from a C to G substitution at nucleotide position 1384, causing the arginine (R) at amino acid position 462 to be replaced by a glycine (G). Based on data from gnomAD, the G allele has an overall frequency of <0.001% (1/251434) total alleles studied. The highest observed frequency was 0.001% (1/113722) of European (non-Finnish) alleles. Based on insufficient or conflicting evidence, the clinical significance of this alteration remains unclear.